The following is an entry in ClinVar:

ClinVar aggregate classification (germline): Uncertain significance (1 of 4 stars; one submission).

Submission:

GeneDx
Classification: Uncertain significance. Last evaluated: 2020-06-22. Review status: criteria provided, single submitter. Criteria: GeneDx Variant Classification Process June 2021. Collection method: clinical testing. Allele origin: germline. Affected: yes.
Comment: Not observed in large population cohorts (Lek et al., 2016); In silico analysis supports that this missense variant has a deleterious effect on protein structure/function; Has not been previously published as pathogenic or benign to our knowledge

NM_007118.4(TRIO):c.955C>T (p.His319Tyr)

Gene: TRIO (trio Rho guanine nucleotide exchange factor; plus strand). Cytogenetic location: 5p15.2.
Variant type: single nucleotide variant.
Coding change: c.955C>T on transcript NM_007118.4 (MANE Select); coding-DNA position 955, C replaced by T.
Protein change: p.His319Tyr; replaces histidine 319 with tyrosine.
Molecular consequence: missense variant. On other transcripts: non-coding transcript variant (1).
Genome position (GRCh38, 1-based): chr5:14,291,130, C>T. VCF-style: chr5-14291130-C-T. GRCh37 (hg19) VCF-style: chr5-14291239-C-T.
Other names: short protein forms H319Y.
Identifiers: ClinVar variation 1312764 (VCV001312764.2), dbSNP rs1262031774, ClinGen allele CA359210471.